The following is an entry in ClinVar:

NM_003998.4(NFKB1):c.1143_1144inv (p.Gly382Arg)

Gene: NFKB1 (nuclear factor kappa B subunit 1; plus strand). Cytogenetic location: 4q24.
Variant type: Inversion.
Coding change: c.1143_1144inv on transcript NM_003998.4 (MANE Select).
Protein change: p.Gly382Arg; replaces glycine 382 with arginine.
Molecular consequence: missense variant.
Genome position: GRCh38 VCF-style: chr4-102593501-TG-CA. GRCh37 (hg19) VCF-style: chr4-103514658-TG-CA.
Other names: c.1140_1141inv, p.Gly381Arg (NM_001165412.2, NM_001319226.2, NM_001382627.1); c.1143_1144inv, p.Gly382Arg (NM_001382625.1, NM_001382626.1); c.1101_1102inv, p.Gly368Arg (NM_001382628.1); short protein forms G381R, G368R, G382R.
Identifiers: ClinVar variation 1367601 (VCV001367601.5), ClinGen allele CA2573137754.

ClinVar aggregate classification (germline): Uncertain significance (1 of 4 stars; one submission).

Submission:

Labcorp Genetics (formerly Invitae), Labcorp
Classification: Uncertain significance. Last evaluated: 2025-04-21. Review status: criteria provided, single submitter. Criteria: Invitae Variant Classification Sherloc (09022015). Collection method: clinical testing. Allele origin: germline.
Comment: This variant, c.1143_1144delinsCA, is a complex sequence change that results in the deletion of 1 and insertion of 1 amino acid(s) in the NFKB1 protein (p.Gly382Arg). Information on the frequency of this variant in the gnomAD database is not available, as this variant may be reported differently in the database. This missense change has been observed in individual(s) with clinical features of NFKB1-related conditions (PMID: 35753512). ClinVar contains an entry for this variant (Variation ID: 1367601). Experimental studies and prediction algorithms are not available or were not evaluated, and the functional significance of this variant is currently unknown. In summary, the available evidence is currently insufficient to determine the role of this variant in disease. Therefore, it has been classified as a Variant of Uncertain Significance.

Literature cited by the submitters: PubMed 35753512.